The following is an entry in ClinVar:

ClinVar aggregate classification (germline): Uncertain significance (1 of 4 stars; one submission).

Allele frequency attached by ClinVar (database versions not stated): gnomAD exomes 0.00001; TOPMed 0.00002; gnomAD 0.00001; ExAC 0.00002.
gnomAD v4.1: 18 of 1,613,858 alleles (0.0011%); highest among the groups gnomAD compares: Non-Finnish European, 0.0014%; no homozygotes.

Submission:

Labcorp Genetics (formerly Invitae), Labcorp
Classification: Uncertain significance. Last evaluated: 2025-10-25. Review status: criteria provided, single submitter. Criteria: Invitae Variant Classification Sherloc (09022015). Collection method: clinical testing. Allele origin: germline.
Comment: This sequence change replaces glycine, which is neutral and non-polar, with arginine, which is basic and polar, at codon 201 of the DCHS1 protein (p.Gly201Arg). This variant is present in population databases (rs759393849, gnomAD 0.007%). This variant has not been reported in the literature in individuals affected with DCHS1-related conditions. ClinVar contains an entry for this variant (Variation ID: 3017592). Invitae Evidence Modeling of protein sequence and biophysical properties (such as structural, functional, and spatial information, amino acid conservation, physicochemical variation, residue mobility, and thermodynamic stability) indicates that this missense variant is not expected to disrupt DCHS1 protein function with a negative predictive value of 95%. In summary, the available evidence is currently insufficient to determine the role of this variant in disease. Therefore, it has been classified as a Variant of Uncertain Significance.

NM_003737.4(DCHS1):c.601G>A (p.Gly201Arg)

Gene: DCHS1 (dachsous cadherin-related 1; minus strand). Cytogenetic location: 11p15.4.
Variant type: single nucleotide variant.
Coding change: c.601G>A on transcript NM_003737.4 (MANE Select); coding-DNA position 601, G replaced by A.
Protein change: p.Gly201Arg; replaces glycine 201 with arginine.
Molecular consequence: missense variant.
Genome position (GRCh38, 1-based): chr11:6,641,013, C>T on the plus strand (G>A on the coding strand, the complement: DCHS1 is on the minus strand). VCF-style: chr11-6641013-C-T. GRCh37 (hg19) VCF-style: chr11-6662244-C-T.
Other names: short protein forms G201R.
Identifiers: ClinVar variation 3017592 (VCV003017592.3), dbSNP rs759393849, ClinGen allele CA5861123.